The following is an entry in ClinVar:

ClinVar aggregate classification (germline): Likely benign. Review status: criteria provided, multiple submitters, no conflicts (2 of 4 stars). 4 submissions from 4 submitters: Likely benign (3). 1 of the submissions does not count toward it. Last evaluated 2025-08-18.

Conditions:
PLXNA1-related disorder. Also called: PLXNA1-related condition.

Allele frequency attached by ClinVar (database versions not stated): gnomAD 0.00020 and 0.00031; TOPMed 0.00020; ESP Exome Variant Server 0.00031; 1000 Genomes Project 0.00060; gnomAD exomes 0.00060; 1000 Genomes Project 30x 0.00062; ExAC 0.00125.
gnomAD v4.1: 560 of 1,553,174 alleles (0.036%); highest among the groups gnomAD compares: Middle Eastern, 0.55%; 5 homozygotes.

Submissions (4):

Genomic Medicine Center of Excellence, King Faisal Specialist Hospital and Research Centre
Classification: Likely benign. Last evaluated: 2025-08-18. Review status: criteria provided, single submitter. Criteria: ACMG Guidelines, 2015. Collection method: clinical testing. Allele origin: germline.

Labcorp Genetics (formerly Invitae), Labcorp
Classification: Likely benign. Last evaluated: 2025-08-18. Review status: criteria provided, single submitter. Criteria: Invitae Variant Classification Sherloc (09022015). Collection method: clinical testing. Allele origin: germline.

Breakthrough Genomics
Classification: Likely benign. Review status: criteria provided, single submitter. Criteria: ACMG Guidelines, 2015. Collection method: not provided. Allele origin: germline. Inheritance: Autosomal recessive inheritance. Affected: yes.

PreventionGenetics, part of Exact Sciences
Classification: Benign for PLXNA1-related condition. Last evaluated: 2019-04-26. Review status: no assertion criteria provided. Collection method: clinical testing. Allele origin: germline. Not counted in ClinVar's aggregate classification.
Comment: This variant is classified as benign based on ACMG/AMP sequence variant interpretation guidelines (Richards et al. 2015 PMID: 25741868, with internal and published modifications).

NM_032242.4(PLXNA1):c.20G>T (p.Ser7Ile)

Gene: PLXNA1 (plexin A1; plus strand). Cytogenetic location: 3q21.3.
Variant type: single nucleotide variant.
Coding change: c.20G>T on transcript NM_032242.4 (MANE Select); coding-DNA position 20, G replaced by T.
Protein change: p.Ser7Ile; replaces serine 7 with isoleucine.
Molecular consequence: missense variant.
Genome position (GRCh38, 1-based): chr3:126,988,613, G>T. VCF-style: chr3-126988613-G-T. GRCh37 (hg19) VCF-style: chr3-126707456-G-T.
Other names: short protein forms S7I.
Identifiers: ClinVar variation 778111 (VCV000778111.12), dbSNP rs375859367, ClinGen allele CA2592877.